The following is an entry in ClinVar:

NM_001378183.1(PIEZO2):c.704-1G>T

Gene: PIEZO2 (piezo type mechanosensitive ion channel component 2; minus strand). Cytogenetic location: 18p11.22.
Variant type: single nucleotide variant.
Coding change: c.704-1G>T on transcript NM_001378183.1 (MANE Select); the canonical splice acceptor site of the intron before coding-DNA position 704, G replaced by T.
Molecular consequence: splice acceptor variant.
Genome position (GRCh38, 1-based): chr18:10,855,567, C>A on the plus strand (G>T on the coding strand, the complement: PIEZO2 is on the minus strand). VCF-style: chr18-10855567-C-A. GRCh37 (hg19) VCF-style: chr18-10855565-C-A.
Other names: c.704-1G>T (NM_022068.4, NM_001410871.1).
Identifiers: ClinVar variation 1339596 (VCV001339596.2), dbSNP rs2144694416, ClinGen allele CA402029246.
Genomic context (GRCh38, chr18:10,855,567, plus strand): 5'-TGCACAGACCCAAAAATACAAAAAAATACACAGATGATGTCAAAGACGGCAACATCATGC[C>A]TAAGGAAGAGAAACGTAATCACAAAGTCAGGTAGAACTGGAAATTCACTTATCATTCAGT-3'

ClinVar aggregate classification (germline): Likely pathogenic (1 of 4 stars; one submission).

Allele frequency attached by ClinVar (database versions not stated): gnomAD exomes below 0.00001.
gnomAD v4.1: 1 of 1,531,844 alleles (0.000065%); no homozygotes.

Submission:

GeneDx
Classification: Likely pathogenic. Last evaluated: 2022-02-04. Review status: criteria provided, single submitter. Criteria: GeneDx Variant Classification Process June 2021. Collection method: clinical testing. Allele origin: germline. Affected: yes.
Comment: Canonical splice site variant in a gene for which loss-of-function is a known mechanism of disease; Not observed in large population cohorts (gnomAD); Has not been previously published as pathogenic or benign to our knowledge